The following is an entry in ClinVar:

NM_016562.4(TLR7):c.815C>T (p.Pro272Leu)

Gene: TLR7 (toll like receptor 7; plus strand). Cytogenetic location: Xp22.2.
Variant type: single nucleotide variant.
Coding change: c.815C>T on transcript NM_016562.4 (MANE Select); coding-DNA position 815, C replaced by T.
Protein change: p.Pro272Leu; replaces proline 272 with leucine.
Molecular consequence: missense variant.
Genome position (GRCh38, 1-based): chrX:12,886,323, C>T. VCF-style: chrX-12886323-C-T. GRCh37 (hg19) VCF-style: chrX-12904442-C-T.
Other names: short protein forms P272L.
Identifiers: ClinVar variation 4781989 (VCV004781989.1).

ClinVar aggregate classification (germline): Uncertain significance (1 of 4 stars; one submission).

Submission:

Labcorp Genetics (formerly Invitae), Labcorp
Classification: Uncertain significance. Last evaluated: 2025-08-11. Review status: criteria provided, single submitter. Criteria: Invitae Variant Classification Sherloc (09022015). Collection method: clinical testing. Allele origin: germline.
Comment: This sequence change replaces proline, which is neutral and non-polar, with leucine, which is neutral and non-polar, at codon 272 of the TLR7 protein (p.Pro272Leu). This variant is not present in population databases (gnomAD no frequency). This variant has not been reported in the literature in individuals affected with TLR7-related conditions. An algorithm developed to predict the effect of missense changes on protein structure and function (PolyPhen-2) suggests that this variant is likely to be disruptive. In summary, the available evidence is currently insufficient to determine the role of this variant in disease. Therefore, it has been classified as a Variant of Uncertain Significance.